The following is an entry in ClinVar:

NM_001080414.4(CCDC88C):c.1960del (p.Leu654fs)

Gene: CCDC88C (coiled-coil and HOOK domain protein 88C; minus strand). Cytogenetic location: 14q32.11.
Variant type: Deletion.
Coding change: c.1960del on transcript NM_001080414.4 (MANE Select); coding-DNA position 1960, one base deleted (C; older notation c.1960delC).
Protein change: p.Leu654fs; shifts the reading frame from leucine 654.
Molecular consequence: frameshift variant. On other transcripts: non-coding transcript variant (2).
Genome position (GRCh38, 1-based): chr14:91,313,856, G deleted on the plus strand (C on the coding strand, the reverse complement: CCDC88C is on the minus strand); the first of 3 consecutive G bases (chr14:91,313,856-91,313,858); deleting any one gives the same sequence. VCF-style (leftmost placement, unchanged base first): chr14-91313855-AG-A. GRCh37 (hg19) VCF-style: chr14-91780199-AG-A.
Other names: short protein forms L654fs.
Identifiers: ClinVar variation 5014852 (VCV005014852.1).

ClinVar aggregate classification (germline): Pathogenic (1 of 4 stars; one submission).

Conditions:
Hydrocephalus, nonsyndromic, autosomal recessive 1 (HYC1). Also called: Hydrocephalus, nonsyndromic, autosomal recessive; Congenital hydrocephalus 1. Identifiers: Orphanet 2185, MedGen C3887608, MONDO:0009360, OMIM 236600.

Submission:

Myriad Genetics, Inc.
Classification: Pathogenic for Hydrocephalus, nonsyndromic, autosomal recessive 1. Last evaluated: 2025-08-10. Review status: criteria provided, single submitter. Criteria: Myriad Autosomal Dominant, Autosomal Recessive and X-Linked Classification Criteria (2023). Collection method: clinical testing. Allele origin: unknown.
Comment: NM_001080414.3(CCDC88C):c.1960delC(L654Wfs*25) is expected to be pathogenic in the context of congenital hydrocephalus, CCDC88C-related. This variant is predicted to lead to an abnormal or absent protein product due to the creation of a premature termination codon in CCDC88C, a gene where loss-of-function variants are known to be pathogenic. Please note: this variant was assessed in the context of healthy population screening.